The following is an entry in ClinVar:

ClinVar aggregate classification (germline): Benign/Likely benign. Review status: criteria provided, multiple submitters, no conflicts (2 of 4 stars). 2 submissions from 2 submitters: Benign (1); Likely benign (1). Last evaluated 2023-03-01.

Allele frequency attached by ClinVar (database versions not stated): TOPMed 0.00363; 1000 Genomes Project 0.00399; gnomAD 0.00410; 1000 Genomes Project 30x 0.00468; gnomAD exomes 0.00656; ESP Exome Variant Server 0.00657; ExAC 0.00732.
gnomAD v4.1: 9,708 of 1,543,122 alleles (0.63%); highest among the groups gnomAD compares: South Asian, 1.2%; 49 homozygotes.

Submissions (2):

CeGaT Center for Human Genetics Tuebingen
Classification: Benign. Last evaluated: 2023-03-01. Review status: criteria provided, single submitter. Criteria: CeGaT Center For Human Genetics Tuebingen Variant Classification Criteria Version 2. Collection method: clinical testing. Allele origin: germline. Affected: yes. Observed: 4 variant alleles.
Comment: DOCK6: BS1, BS2

GeneDx
Classification: Likely benign. Last evaluated: 2020-07-18. Review status: criteria provided, single submitter. Criteria: GeneDx Variant Classification Process June 2021. Collection method: clinical testing. Allele origin: germline. Affected: yes.
Comment: See Variant Classification Assertion Criteria.

NM_020812.4(DOCK6):c.*67G>A

Gene: DOCK6 (dedicator of cytokinesis 6; minus strand). Cytogenetic location: 19p13.2.
Variant type: single nucleotide variant.
Coding change: c.*67G>A on transcript NM_020812.4 (MANE Select); 67 bases downstream of the stop codon, G replaced by A.
Molecular consequence: 3 prime UTR variant.
Genome position (GRCh38, 1-based): chr19:11,199,430, C>T on the plus strand (G>A on the coding strand, the complement: DOCK6 is on the minus strand). VCF-style: chr19-11199430-C-T. GRCh37 (hg19) VCF-style: chr19-11310106-C-T.
Other names: c.*67G>A (NM_001367830.1).
Identifiers: ClinVar variation 1707391 (VCV001707391.32), dbSNP rs78942291, ClinGen allele CA9206213.
Genomic context (GRCh38, chr19:11,199,430, plus strand): 5'-GGCCCAGCCCCAAGTACAGTGTGGTCACCCCACAGCCCAGTGGGCACCAGGGCAGACTCC[C>T]CTCGCAGCACAGACAGCTGAGGCCCGGGTGCTGGTTCCTCTAGGTACAGCTTTGGTCCTT-3'